The following is an entry in ClinVar:

NM_004444.5(EPHB4):c.2162T>C (p.Leu721Pro)

Gene: EPHB4 (EPH receptor B4; minus strand). Cytogenetic location: 7q22.1.
Variant type: single nucleotide variant.
Coding change: c.2162T>C on transcript NM_004444.5 (MANE Select); coding-DNA position 2162, T replaced by C.
Protein change: p.Leu721Pro; replaces leucine 721 with proline.
Molecular consequence: missense variant.
Genome position (GRCh38, 1-based): chr7:100,807,537, A>G on the plus strand (T>C on the coding strand, the complement: EPHB4 is on the minus strand). VCF-style: chr7-100807537-A-G. GRCh37 (hg19) VCF-style: chr7-100405159-A-G.
Other names: short protein forms L721P.
Identifiers: ClinVar variation 2828353 (VCV002828353.3), dbSNP rs1562967585, ClinGen allele CA368569163.

ClinVar aggregate classification (germline): Uncertain significance (1 of 4 stars; one submission).

Submission:

Labcorp Genetics (formerly Invitae), Labcorp
Classification: Uncertain significance. Last evaluated: 2024-05-08. Review status: criteria provided, single submitter. Criteria: Invitae Variant Classification Sherloc (09022015). Collection method: clinical testing. Allele origin: germline.
Comment: This sequence change replaces leucine, which is neutral and non-polar, with proline, which is neutral and non-polar, at codon 721 of the EPHB4 protein (p.Leu721Pro). This variant is not present in population databases (gnomAD no frequency). This variant has not been reported in the literature in individuals affected with EPHB4-related conditions. Advanced modeling of protein sequence and biophysical properties (such as structural, functional, and spatial information, amino acid conservation, physicochemical variation, residue mobility, and thermodynamic stability) performed at Invitae indicates that this missense variant is expected to disrupt EPHB4 protein function with a positive predictive value of 80%. In summary, the available evidence is currently insufficient to determine the role of this variant in disease. Therefore, it has been classified as a Variant of Uncertain Significance.